The following is an entry in ClinVar:

ClinVar aggregate classification (germline): Pathogenic. Review status: reviewed by expert panel (3 of 4 stars). 17 submissions from 17 submitters: Pathogenic (1). 16 of the submissions do not count toward it. Last evaluated 2024-03-28.

Conditions:
Rare genetic deafness. Identifiers: Orphanet 96210, MedGen C5680250.
Ichthyosis, hystrix-like, with hearing loss. Also called: Hystrix-like ichthyosis with deafness. Identifiers: Orphanet 477, MedGen C1865234, MONDO:0011245.
Palmoplantar keratoderma-deafness syndrome. Also called: Keratoderma palmoplantar, with deafness; Palmoplantar keratoderma and sensorineural deafness; Hereditary palmoplantar keratoderma with deafness (subtype); Focal palmoplantar keratoderma with sensorineural deafness (subtype); Diffuse palmoplantar keratoderma with deafness (subtype). Identifiers: Orphanet 2202, MedGen C1835672, MONDO:0007852, OMIM 148350.
Knuckle pads, deafness AND leukonychia syndrome. Also called: Bart-Pumphrey syndrome. Identifiers: Orphanet 2698, MedGen C0266004, MONDO:0007866, OMIM 149200.
X-linked mixed hearing loss with perilymphatic gusher. Also called: Gusher syndrome; NANCE DEAFNESS; PERILYMPHATIC GUSHER-DEAFNESS SYNDROME; SENSORINEURAL DEAFNESS, PROFOUND, WITH OR WITHOUT A CONDUCTIVE COMPONENT, ASSOCIATED WITH A UNIQUE DEVELOPMENTAL ABNORMALITY OF THE EAR; Deafness, X-linked 2. Identifiers: Orphanet 383, MedGen C1844678, MONDO:0010576, OMIM 304400.
Mutilating keratoderma (VOWNKL). Also called: Keratoderma hereditarium mutilans. Identifiers: Orphanet 494, MedGen C0265964, MONDO:0007422, OMIM 124500.
Autosomal recessive nonsyndromic hearing loss 1A (DFNB1A). Also called: Connexin 26 deafness; Deafness nonsyndromic, Connexin 26 linked; GJB6-Related DFNB 1 Nonsyndromic Hearing Loss and Deafness; Deafness, autosomal recessive 1A; Nonsyndromic Hearing Loss and Deafness, DFNB1; GJB2-Related Autosomal Recessive Nonsyndromic Hearing Loss. Identifiers: Orphanet 90636, MedGen C2673759, MONDO:0009076, OMIM 220290.
Autosomal dominant keratitis-ichthyosis-hearing loss syndrome. Also called: Senter syndrome; KID SYNDROME, AUTOSOMAL DOMINANT; HID SYNDROME. Identifiers: Orphanet 477, MedGen C0265336, MONDO:0007850, OMIM 148210.
Autosomal dominant nonsyndromic hearing loss 3A. Identifiers: Orphanet 90635, MedGen C2675750, MONDO:0011103, OMIM 601544.
GJB2-related disorder. Also called: GJB2-related condition; GJB2-related disorders. Identifiers: MedGen CN382183, MONDO:1060236.
Monogenic hearing loss.
Nonsyndromic genetic hearing loss. Also called: Nonsyndromic hearing loss and deafness; Non-syndromic genetic deafness; Nonsyndromic genetic deafness. Identifiers: Orphanet 87884, MedGen C5680182, MONDO:0019497.

Allele frequency attached by ClinVar (database versions not stated): ExAC 0.00003; gnomAD exomes 0.00004; TOPMed 0.00005; gnomAD 0.00004.

Submissions 1 to 4 of 17:

ClinGen Hearing Loss Variant Curation Expert Panel
Classification: Pathogenic for Nonsyndromic genetic hearing loss. Last evaluated: 2024-03-28. Review status: reviewed by expert panel. Criteria: Clingen Hl Acmg Specifications Cdh23 Coch Gjb2 Kcnq4 Myo6 Myo7a Slc26a4 Tecta Ush2a V2. Collection method: curation. Allele origin: germline. Inheritance: Autosomal recessive inheritance.
Comment: The c.1A>G (p.Met1Val) variant in GJB2 may cause a truncated or absent protein by altering the start codon of the coding sequence and is predicted to lead to the omission of a critical region of the protein. There have been multiple pathogenic variants observed in the region between this site and the next expected start codon (PVS1; ClinVar Variation IDs: 21387, 188758). There are also multiple pathogenic/likely pathogenic start-loss variants at this position which may indicate that this residue is critical to the function of the protein (ClinVar Variation IDs: 550716, 2070085, 371781, 551915). The highest population minor allele frequency of the variant is 0.02% (5/30616) in the South Asian population in gnomAD v.2.1.1, which does not meet any population codes based on the thresholds defined by the ClinGen Hearing Loss Expert Panel (BA1/BS1/PM2_Supporting not met). Intercellular diffusion of microinjected neurobiotin in coupling-deficient HeLa cells transfected with Connexin 26 cDNAs was analyzed. The transfectant M1V showed reduced neurobiotin transfer compared to wild-type and equivalent to background levels indicating that this variant impacts protein function (PS3_Moderate; PMID: 12189493). This variant has been detected in at least 6 individuals with nonsyndromic hearing loss (4.5 PM3_Very Strong points). Two individuals with nonsyndromic hearing loss were homozygous for the variant (PMID: 26188157, 18941476). One individual with bilateral sensorineural hearing loss was compound heterozygous with a pathogenic variant c.167delT, p.Leu56fs (ClinVar ID: 17010, PMID: 20146813). Another three individuals with nonsyndromic hearing loss were compound heterozygous (one confirmed trans, the other two assumed trans) with the pathogenic c.35delG, p.Gly12fs variant (ClinVar ID: 17004, PMID: 9482292, 10218527, 23555729). In summary, this variant meets criteria to be classified as pathogenic for autosomal recessive hearing loss based on the ACMG/AMP criteria applied as specified by the Hearing Loss Expert Panel: PVS1, PM3_Very Strong, PS3_Moderate (VCEP specifications version 2; 10.24.2023). intercellular diffusion of microinjected neurobiotin in coupling-deficient HeLa cells transfected with Connexin 26 cDNAs was analyzed. The transfectant M1V showed reduced neurobiotin transfer compared to wild-type and equivalent to background levels indicating that this variant impacts protein function (PS3_Moderate; PMID: 12189493). This variant has been detected in at least 6 individuals with nonsyndromic hearing loss (4.5 PM3_Very Strong points). Two individuals with nonsyndromic hearing loss were homozygous for the variant (PMID: 26188157, 18941476). One individual with bilateral sensorineural hearing loss was compound heterozygous with a pathogenic variant c.167delT, p.Leu56fs (ClinVar ID: 17010, PMID: 20146813). Another three individuals with nonsyndromic hearing loss were compound heterozygous (one confirmed trans, the other two assumed trans) with the pathogenic c.35delG, p.Gly12fs variant (ClinVar ID: 17004, PMID: 9482292, 10218527, 23555729). In summary, this variant meets criteria to be classified as pathogenic for autosomal recessive hearing loss based on the ACMG/AMP criteria applied as specified by the Hearing Loss Expert Panel: PVS1, PM3_Very Strong, PS3_Moderate (VCEP specifications version 2; 10.24.2023).

Victorian Clinical Genetics Services, Murdoch Childrens Research Institute
Classification: Pathogenic for Autosomal recessive nonsyndromic hearing loss 1A. Last evaluated: 2026-07-07. Review status: criteria provided, single submitter. Criteria: ACMG Guidelines, 2015. Collection method: clinical testing. Allele origin: germline. Affected: yes. Not counted in ClinVar's aggregate classification.
Comment: This variant is classified as Pathogenic. Evidence in support of pathogenic classification: This variant is predicted to result in a loss of the canonical translation initiation codon (ATG); This variant is present in gnomAD <0.01 (v4: 97 heterozygote(s), 0 homozygote(s)); This variant has strong previous evidence of pathogenicity in unrelated individuals. This variant has been classified as pathogenic by the ClinGen Hearing Loss Variant Curation Expert Panel for nonsyndromic genetic hearing loss (autosomal recessive inheritance). Additional information: This variant is heterozygous; This gene is associated with both recessive and dominant disease. The autosomal dominant diseases are commonly associated with pathogenic missense variants. The autosomal recessive disease is associated with bi-allelic loss-of-function variants and includes missense and protein truncating variants (NIH Genetics Home Reference, PMID: 12792423); Alternative nucleotide change(s) at the initiation codon are present in gnomAD (highest allele count: v4: 5 heterozygote(s), 0 homozygote(s)); Loss of function is a known mechanism of disease in this gene and is associated with both deafness and skin conditions (OMIM). Dominant negative is also a suggested mechanism (PMID: 28428247); The condition associated with this gene has incomplete penetrance (PMID: 31160754); Variants in this gene are known to have variable expressivity. Severity can range from mild to profound with intrafamilial variability also observed. Commonly, truncating variants are associated with a more severe hearing loss (PMID: 20301449); Inheritance information for this variant is not currently available in this individual.

CeGaT Center for Human Genetics Tuebingen
Classification: Pathogenic. Last evaluated: 2026-04-01. Review status: criteria provided, single submitter. Criteria: CeGaT Center For Human Genetics Tuebingen Variant Classification Criteria Version 2. Collection method: clinical testing. Allele origin: germline. Affected: yes. Observed: 1 variant allele. Not counted in ClinVar's aggregate classification.
Comment: GJB2: PM3:Very Strong, PM2, PVS1:Moderate

PreventionGenetics, part of Exact Sciences
Classification: Pathogenic for GJB2-related condition. Last evaluated: 2026-03-03. Review status: criteria provided, single submitter. Criteria: ACMG Guidelines, 2015. Collection method: clinical testing. Allele origin: germline. Not counted in ClinVar's aggregate classification.
Comment: The GJB2 c.1A>G variant is predicted to disrupt the translation initiation site (Start Loss). This variant has been reported to be causative for autosomal recessive non-syndromic hearing loss (Estivill et al. 1998. PubMed ID: 9482292; Denoyelle et al. 1999. PubMed ID: 10218527; Bajaj et al. 2008. PubMed ID: 18983339; Mani et al. 2008. PubMed ID: 18941476). Functional in vitro studies demonstrated lack of GJB2 protein in HeLa cells transfected with the c.1A>G variant, consistent with lack of translation or degradation of a protein product using an alternative translation start site (Thönnissen et al. 2002. PubMed ID: 12189493). This variant is reported in 0.016% of alleles in individuals of South Asian descent in gnomAD. This variant is interpreted as pathogenic.

NM_004004.6(GJB2):c.1A>G (p.Met1Val)

Gene: GJB2 (gap junction protein beta 2; minus strand). Cytogenetic location: 13q12.11.
Variant type: single nucleotide variant.
Coding change: c.1A>G on transcript NM_004004.6 (MANE Select); coding-DNA position 1, A replaced by G.
Protein change: p.Met1Val; changes the start codon (methionine 1).
Molecular consequence: missense variant, initiator codon variant.
Genome position (GRCh38, 1-based): chr13:20,189,581, T>C on the plus strand (A>G on the coding strand, the complement: GJB2 is on the minus strand). VCF-style: chr13-20189581-T-C. GRCh37 (hg19) VCF-style: chr13-20763720-T-C.
Other names: NM_004004.6(GJB2):c.1A>G; p.Met1Val; short protein forms M1V.
Identifiers: ClinVar variation 44729 (VCV000044729.68), dbSNP rs111033293, ClinGen allele CA198806.
Genomic context (GRCh38, chr13:20,189,581, plus strand): 5'-CAATGCTGGTGGAGTGTTTGTTCACACCCCCCAGGATCGTCTGCAGCGTGCCCCAATCCA[T>C]CTTCTACTCTGGGCGGTTTGCTCTGGAAAAGACGAATGCACACAACACAGGAATCACTAG-3'
Protein context (NP_003995.2, residues 1-11): [Met1Val]DWGTLQTILG